The following is an entry in ClinVar:

NM_002693.3(POLG):c.410A>G (p.Gln137Arg)

Genes: POLG (DNA polymerase gamma, catalytic subunit; minus strand), POLGARF (POLG alternative reading frame; minus strand). Cytogenetic location: 15q26.1.
Variant type: single nucleotide variant.
Coding change: c.410A>G on transcript NM_002693.3 (MANE Select); coding-DNA position 410, A replaced by G.
Protein change: p.Gln137Arg; replaces glutamine 137 with arginine.
Molecular consequence: missense variant.
Genome position (GRCh38, 1-based): chr15:89,333,345, T>C on the plus strand (A>G on the coding strand, the complement: POLG is on the minus strand). VCF-style: chr15-89333345-T-C. GRCh37 (hg19) VCF-style: chr15-89876576-T-C.
Other names: c.410A>G, p.Gln137Arg (NM_001126131.2); short protein forms Q137R.
Identifiers: ClinVar variation 2013973 (VCV002013973.4), dbSNP rs2509275498, ClinGen allele CA393771954.

ClinVar aggregate classification (germline): Uncertain significance (1 of 4 stars; one submission).

Conditions:
Progressive sclerosing poliodystrophy (MTDPS4A). Also called: Mitochondrial DNA Depletion Syndrome 4A; ALPERS PROGRESSIVE INFANTILE POLIODYSTROPHY; NEURONAL DEGENERATION OF CHILDHOOD WITH LIVER DISEASE, PROGRESSIVE; Mitochondrial DNA depletion syndrome 4A (Alpers type); Alpers Syndrome; ALPERS DIFFUSE DEGENERATION OF CEREBRAL GRAY MATTER WITH HEPATIC CIRRHOSIS. Identifiers: Orphanet 726, MedGen C0205710, MONDO:0008758, OMIM 203700.

Submission:

Labcorp Genetics (formerly Invitae), Labcorp
Classification: Uncertain significance for Progressive sclerosing poliodystrophy. Last evaluated: 2022-10-14. Review status: criteria provided, single submitter. Criteria: Invitae Variant Classification Sherloc (09022015). Collection method: clinical testing. Allele origin: germline.
Comment: In summary, the available evidence is currently insufficient to determine the role of this variant in disease. Therefore, it has been classified as a Variant of Uncertain Significance. Algorithms developed to predict the effect of missense changes on protein structure and function output the following: SIFT: "Deleterious"; PolyPhen-2: "Benign"; Align-GVGD: "Class C0". The arginine amino acid residue is found in multiple mammalian species, which suggests that this missense change does not adversely affect protein function. This variant has not been reported in the literature in individuals affected with POLG-related conditions. This variant is not present in population databases (gnomAD no frequency). This sequence change replaces glutamine, which is neutral and polar, with arginine, which is basic and polar, at codon 137 of the POLG protein (p.Gln137Arg).